The following is an entry in ClinVar:

NC_000013.11:g.77919609T>A

Genes: EDNRB (endothelin receptor type B; minus strand), LOC107882129 (EDNRB proximal promoter region; plus strand). Cytogenetic location: 13q22.3.
Variant type: single nucleotide variant.
Molecular consequence: nonsense (on NM_001201397.2). On other transcripts: intron variant (1).
Genome position: GRCh38 VCF-style: chr13-77919609-T-A. GRCh37 (hg19) VCF-style: chr13-78493744-T-A.
Other names: c.7A>T, p.Lys3Ter (NM_001201397.2); c.-51-985A>T (NM_000115.5); short protein forms K3*.
Identifiers: ClinVar variation 228663 (VCV000228663.5), dbSNP rs876657805, ClinGen allele CA10576943.

ClinVar aggregate classification (germline): Uncertain significance (1 of 4 stars; one submission).

Submission:

Laboratory for Molecular Medicine, Mass General Brigham Personalized Medicine
Classification: Uncertain significance. Last evaluated: 2015-06-16. Review status: criteria provided, single submitter. Criteria: LMM Criteria. Collection method: clinical testing. Allele origin: germline. Observed: 1 variant allele.
Comment: The p.Lys3X variant in EDNRB (NM_001201387.1) has not been previously reported i n individuals with hearing loss, type 4 Waardenburg syndrome, or Hirschsprung di sease, and was absent from large population studies. This nonsense variant affec ts the coding region of only one of four transcript isoforms of the EDNRB gene a nd exon 1 of this isoform lies in either intergenic or intronic regions of the o ther EDNRB isoforms. In addition, pathogenic variants in exon 1 of this transcri pt have not been reported in affected individuals and this exon is enriched for loss of function variants compared with other exons of this gene in the control population (ExAC). This suggests that this exon and/or transcript may not be critical for a functional protein; however, additio nal studies are needed to confirm this. In summary, the clinical significance of this variant is uncertain.

Literature cited by the submitters: PubMed 20127975.